The following is an entry in ClinVar:

NM_000179.3(MSH6):c.2939A>G (p.Glu980Gly)

Gene: MSH6 (mutS homolog 6; plus strand). Cytogenetic location: 2p16.3.
Variant type: single nucleotide variant.
Coding change: c.2939A>G on transcript NM_000179.3 (MANE Select); coding-DNA position 2939, A replaced by G.
Protein change: p.Glu980Gly; replaces glutamic acid 980 with glycine.
Molecular consequence: missense variant.
Genome position (GRCh38, 1-based): chr2:47,800,922, A>G. VCF-style: chr2-47800922-A-G. GRCh37 (hg19) VCF-style: chr2-48028061-A-G.
Other names: c.2549A>G, p.Glu850Gly (NM_001281492.2); c.2033A>G, p.Glu678Gly (NM_001281493.2, NM_001281494.2, NM_001406811.1 and 6 more transcripts); c.3035A>G, p.Glu1012Gly (NM_001406795.1, NM_001406802.1); c.2939A>G, p.Glu980Gly (NM_001406796.1, NM_001406798.1, NM_001406800.1 and 2 more transcripts); c.2642A>G, p.Glu881Gly (NM_001406797.1, NM_001406801.1, NM_001406805.1 and 10 more transcripts); c.2414A>G, p.Glu805Gly (NM_001406799.1, NM_001406806.1, NM_001406807.1); c.2861A>G, p.Glu954Gly (NM_001406804.1); c.2945A>G, p.Glu982Gly (NM_001406813.1); and 2 more; short protein forms E982G, E1012G, E850G, E881G, E924G, E295G, E678G, E805G.
Identifiers: ClinVar variation 1797884 (VCV001797884.2), dbSNP rs2104431936, ClinGen allele CA346756218.

ClinVar aggregate classification (germline): Uncertain significance (1 of 4 stars; one submission).

Conditions:
Hereditary cancer-predisposing syndrome. Also called: Neoplastic Syndromes, Hereditary; Tumor predisposition; Hereditary Cancer Syndrome; Hereditary neoplastic syndrome. Identifiers: Orphanet 140162, MedGen C0027672, MeSH D009386, MONDO:0015356.

Submission:

Ambry Genetics
Classification: Uncertain significance for Hereditary cancer-predisposing syndrome. Last evaluated: 2021-07-28. Review status: criteria provided, single submitter. Criteria: Ambry Variant Classification Scheme 2023. Collection method: clinical testing. Allele origin: germline.
Comment: The p.E980G variant (also known as c.2939A>G), located in coding exon 4 of the MSH6 gene, results from an A to G substitution at nucleotide position 2939. The glutamic acid at codon 980 is replaced by glycine, an amino acid with similar properties. This amino acid position is highly conserved in available vertebrate species. In addition, this alteration is predicted to be deleterious by in silico analysis. Since supporting evidence is limited at this time, the clinical significance of this alteration remains unclear.